The following is an entry in ClinVar:

ClinVar aggregate classification (germline): Uncertain significance (1 of 4 stars; one submission).

Submission:

Ambry Genetics
Classification: Uncertain significance. Last evaluated: 2024-02-16. Review status: criteria provided, single submitter. Criteria: Ambry Variant Classification Scheme 2023. Collection method: clinical testing. Allele origin: germline.
Comment: The p.S2056C variant (also known as c.6167C>G), located in coding exon 46 of the PRKDC gene, results from a C to G substitution at nucleotide position 6167. The serine at codon 2056 is replaced by cysteine, an amino acid with dissimilar properties. This amino acid position is conserved. Based on the available evidence, the clinical significance of this alteration remains unclear.

NM_006904.7(PRKDC):c.6167C>G (p.Ser2056Cys)

Gene: PRKDC (protein kinase, DNA-activated, catalytic subunit; minus strand). Cytogenetic location: 8q11.21.
Variant type: single nucleotide variant.
Coding change: c.6167C>G on transcript NM_006904.7 (MANE Select); coding-DNA position 6167, C replaced by G.
Protein change: p.Ser2056Cys; replaces serine 2056 with cysteine.
Molecular consequence: missense variant.
Genome position (GRCh38, 1-based): chr8:47,859,651, G>C on the plus strand (C>G on the coding strand, the complement: PRKDC is on the minus strand). VCF-style: chr8-47859651-G-C. GRCh37 (hg19) VCF-style: chr8-48772212-G-C.
Other names: c.6167C>G, p.Ser2056Cys (NM_001081640.2); short protein forms S2056C.
Identifiers: ClinVar variation 3225884 (VCV003225884.1), dbSNP rs1263066070, ClinGen allele CA371161193.